The following is an entry in ClinVar:

ClinVar aggregate classification (germline): Uncertain significance (1 of 4 stars; one submission).

Allele frequency attached by ClinVar (database versions not stated): gnomAD exomes below 0.00001.
gnomAD v4.1: 4 of 1,613,626 alleles (0.00025%); highest among the groups gnomAD compares: Non-Finnish European, 0.00034%; no homozygotes.

Submission:

Labcorp Genetics (formerly Invitae), Labcorp
Classification: Uncertain significance. Last evaluated: 2021-08-29. Review status: criteria provided, single submitter. Criteria: Invitae Variant Classification Sherloc (09022015). Collection method: clinical testing. Allele origin: germline.
Comment: This sequence change replaces tyrosine with histidine at codon 278 of the COL11A1 protein (p.Tyr278His). The tyrosine residue is moderately conserved and there is a moderate physicochemical difference between tyrosine and histidine. This variant is not present in population databases (ExAC no frequency). This variant has not been reported in the literature in individuals affected with COL11A1-related conditions. Advanced modeling of protein sequence and biophysical properties (such as structural, functional, and spatial information, amino acid conservation, physicochemical variation, residue mobility, and thermodynamic stability) performed at Invitae indicates that this missense variant is not expected to disrupt COL11A1 protein function. In summary, the available evidence is currently insufficient to determine the role of this variant in disease. Therefore, it has been classified as a Variant of Uncertain Significance.

NM_001854.4(COL11A1):c.832T>C (p.Tyr278His)

Gene: COL11A1 (collagen type XI alpha 1 chain; minus strand). Cytogenetic location: 1p21.1.
Variant type: single nucleotide variant.
Coding change: c.832T>C on transcript NM_001854.4 (MANE Select); coding-DNA position 832, T replaced by C.
Protein change: p.Tyr278His; replaces tyrosine 278 with histidine.
Molecular consequence: missense variant. On other transcripts: non-coding transcript variant (1), intron variant (2).
Genome position (GRCh38, 1-based): chr1:103,026,281, A>G on the plus strand (T>C on the coding strand, the complement: COL11A1 is on the minus strand). VCF-style: chr1-103026281-A-G. GRCh37 (hg19) VCF-style: chr1-103491837-A-G.
Other names: c.832T>C, p.Tyr278His (NM_080630.4); c.781-668T>C (NM_001190709.2); c.781-329T>C (NM_080629.3); short protein forms Y278H.
Identifiers: ClinVar variation 1446588 (VCV001446588.6), dbSNP rs1372677796, ClinGen allele CA341157271.